The following is an entry in ClinVar:

ClinVar aggregate classification (germline): Uncertain significance. Review status: criteria provided, multiple submitters, no conflicts (2 of 4 stars). 3 submissions from 3 submitters: Uncertain significance (2). 1 of the submissions does not count toward it. Last evaluated 2025-08-19.

Conditions:
Inborn genetic diseases. Identifiers: MedGen C0950123, MeSH D030342.
Retinal dystrophy. Also called: Inherited retinal dystrophy. Identifiers: Orphanet 71862, MedGen C0854723, MeSH D058499, MONDO:0019118, HP:0000556.

Allele frequency attached by ClinVar (database versions not stated): gnomAD 0.00001; gnomAD exomes 0.00002 and 0.00003; TOPMed 0.00003; ExAC 0.00004.
gnomAD v4.1: 27 of 1,608,774 alleles (0.0017%); highest among the groups gnomAD compares: Middle Eastern, 0.016%; no homozygotes.

Submissions (3):

Ambry Genetics
Classification: Uncertain significance for Inborn genetic diseases. Last evaluated: 2025-08-19. Review status: criteria provided, single submitter. Criteria: Ambry Variant Classification Scheme 2023. Collection method: clinical testing. Allele origin: germline.

Labcorp Genetics (formerly Invitae), Labcorp
Classification: Uncertain significance. Last evaluated: 2022-08-16. Review status: criteria provided, single submitter. Criteria: Invitae Variant Classification Sherloc (09022015). Collection method: clinical testing. Allele origin: germline.
Comment: This sequence change replaces serine, which is neutral and polar, with leucine, which is neutral and non-polar, at codon 1152 of the ARHGEF18 protein (p.Ser1152Leu). This variant is present in population databases (rs769776144, gnomAD 0.006%). This variant has not been reported in the literature in individuals affected with ARHGEF18-related conditions. ClinVar contains an entry for this variant (Variation ID: 1487041). Algorithms developed to predict the effect of missense changes on protein structure and function output the following: SIFT: "Tolerated"; PolyPhen-2: "Benign"; Align-GVGD: "Class C0". The leucine amino acid residue is found in multiple mammalian species, which suggests that this missense change does not adversely affect protein function. In summary, the available evidence is currently insufficient to determine the role of this variant in disease. Therefore, it has been classified as a Variant of Uncertain Significance.

Institute of Human Genetics, Univ. Regensburg, Univ. Regensburg
Classification: Uncertain significance for Retinal dystrophy. Last evaluated: 2023-01-01. Review status: no assertion criteria provided. Criteria: ACMG Guidelines, 2015. Collection method: clinical testing. Allele origin: germline. Affected: yes. Not counted in ClinVar's aggregate classification.

NM_001367823.1(ARHGEF18):c.4019C>T (p.Ser1340Leu)

Gene: ARHGEF18 (Rho/Rac guanine nucleotide exchange factor 18; plus strand). Cytogenetic location: 19p13.2.
Variant type: single nucleotide variant.
Coding change: c.4019C>T on transcript NM_001367823.1 (MANE Select); coding-DNA position 4019, C replaced by T.
Protein change: p.Ser1340Leu; replaces serine 1340 with leucine.
Molecular consequence: missense variant.
Genome position (GRCh38, 1-based): chr19:7,470,231, C>T. VCF-style: chr19-7470231-C-T. GRCh37 (hg19) VCF-style: chr19-7535117-C-T.
Other names: c.3293C>T, p.Ser1098Leu (NM_001130955.2); c.2981C>T, p.Ser994Leu (NM_001367824.1, NM_015318.4); c.3455C>T (NM_001130955.1); short protein forms S1340L, S1098L, S994L.
Identifiers: ClinVar variation 1487041 (VCV001487041.7), dbSNP rs769776144, ClinGen allele CA9137341.